The following is an entry in ClinVar:

NM_004415.4(DSP):c.6790_6791dup (p.Asn2265fs)

Gene: DSP (desmoplakin; plus strand). Cytogenetic location: 6p24.3.
Variant type: Microsatellite.
Coding change: c.6790_6791dup on transcript NM_004415.4 (MANE Select); coding-DNA positions 6790 to 6791, 2 bases duplicated (TA; older notation c.6790_6791dupTA).
Protein change: p.Asn2265fs; shifts the reading frame from asparagine 2265.
Molecular consequence: frameshift variant.
Genome position (GRCh38, 1-based): chr6:7,584,052-7,584,053, TA duplicated; duplicating any 2 consecutive bases within chr6:7,584,049-7,584,053 gives the same sequence; the c. name uses the placement nearest the transcript's 3' end. VCF-style (leftmost placement, unchanged base first): chr6-7584048-C-CAT. GRCh37 (hg19) VCF-style: chr6-7584281-C-CAT.
Other names: c.4993_4994dup, p.Asn1666fs (NM_001008844.3); c.5461_5462dup, p.Asn1822fs (NM_001319034.2); short protein forms N1666fs, N1822fs, N2265fs.
Identifiers: ClinVar variation 4879745 (VCV004879745.1).

ClinVar aggregate classification (germline): Pathogenic (1 of 4 stars; one submission).

Conditions:
Arrhythmogenic right ventricular dysplasia 8 (ARVD8). Also called: Arrhythmogenic Right Ventricular Dysplasia/Cardiomyopathy 8; ARRHYTHMOGENIC RIGHT VENTRICULAR DYSPLASIA, FAMILIAL, 8; ARRHYTHMOGENIC RIGHT VENTRICULAR CARDIOMYOPATHY 8. Identifiers: MedGen C1843896, MONDO:0011831, OMIM 607450.

Submission:

Victorian Clinical Genetics Services, Murdoch Childrens Research Institute
Classification: Pathogenic for Arrhythmogenic right ventricular dysplasia 8. Last evaluated: 2026-03-31. Review status: criteria provided, single submitter. Criteria: ACMG Guidelines, 2015. Collection method: clinical testing. Allele origin: germline. Affected: yes.
Comment: This variant is classified as Pathogenic. Evidence in support of pathogenic classification: Variant is predicted to result in a truncated protein (premature termination codon is NOT located at least 54 nucleotides upstream of the final exon-exon junction) with less than 1/3 of the protein sequence affected; Variant is absent from gnomAD (v2, v3 and v4); Other protein truncating variants comparable to the one identified in this case have very strong previous evidence for pathogenicity (DECIPHER), and have been reported in individuals with arrythmogenic cardiomyopathy (PMID: 36580316). Additional information: This variant is heterozygous; This gene is associated with both recessive and dominant disease. Variants in this gene are usually inherited in a dominant manner; however there are rare reports of recessive inheritance resulting in a more severe cardiac phenotype (OMIM). - This variant has no previous evidence of pathogenicity; No published evidence of segregation with disease has been identified for this variant; No published functional evidence has been identified for this variant; Variant is predicted to truncate multiple plectin repeat domains (DECIPHER); Loss of function is a known mechanism of disease in this gene and is associated with arrhythmogenic right ventricular dysplasia 8 (MIM#607450) and other DSP-related cardiac disorders. - The condition associated with this gene has incomplete penetrance. In families with cardiomyopathies, reduced penetrance has been reported among family members aged 60-86 years (PMID: 36580316). - Variants in this gene are known to have variable expressivity. Age-dependent penetrance and variable expressivity are well-described aspects of arrhythmogenic cardiomyopathy (PMID: 29062697); Inheritance information for this variant is not currently available in this individual.

Literature cited by the submitters: PubMed 29062697; PubMed 36580316.